The following is an entry in ClinVar:

ClinVar aggregate classification (germline): Uncertain significance (1 of 4 stars; one submission).

Conditions:
Emery-Dreifuss muscular dystrophy 4, autosomal dominant (EDMD4). Also called: EMERY-DREIFUSS MUSCULAR DYSTROPHY 4 WITH VARIABLE FEATURES. Identifiers: Orphanet 261, MedGen C2751807, MONDO:0013071, OMIM 612998.
Autosomal recessive ataxia, Beauce type. Also called: SYNE1-Related Autosomal Recessive Cerebellar Ataxia; SYNE1 Deficiency; Spinocerebellar ataxia, autosomal recessive 8; ATAXIA, RECESSIVE, OF BEAUCE. Identifiers: Orphanet 88644, MedGen C1853116, MONDO:0012549, OMIM 610743.

Allele frequency attached by ClinVar (database versions not stated): TOPMed below 0.00001; gnomAD 0.00001; gnomAD exomes below 0.00001.
gnomAD v4.1: 2 of 1,614,018 alleles (0.00012%); highest among the groups gnomAD compares: Admixed American, 0.0017%; no homozygotes.

Submission:

Labcorp Genetics (formerly Invitae), Labcorp
Classification: Uncertain significance for Emery-Dreifuss muscular dystrophy 4, autosomal dominant; Autosomal recessive ataxia, Beauce type. Last evaluated: 2024-11-27. Review status: criteria provided, single submitter. Criteria: Invitae Variant Classification Sherloc (09022015). Collection method: clinical testing. Allele origin: germline.
Comment: This sequence change replaces arginine, which is basic and polar, with lysine, which is basic and polar, at codon 1952 of the SYNE1 protein (p.Arg1952Lys). This variant is present in population databases (no rsID available, gnomAD 0.1%). This variant has not been reported in the literature in individuals affected with SYNE1-related conditions. ClinVar contains an entry for this variant (Variation ID: 1909462). An algorithm developed to predict the effect of missense changes on protein structure and function (PolyPhen-2) suggests that this variant¬¨‚Ä†is likely to be tolerated. In summary, the available evidence is currently insufficient to determine the role of this variant in disease. Therefore, it has been classified as a Variant of Uncertain Significance.

NM_182961.4(SYNE1):c.5834G>A (p.Arg1945Lys)

Gene: SYNE1 (spectrin repeat containing nuclear envelope protein 1; minus strand). Cytogenetic location: 6q25.2.
Variant type: single nucleotide variant.
Coding change: c.5834G>A on transcript NM_182961.4 (MANE Select); coding-DNA position 5834, G replaced by A.
Protein change: p.Arg1945Lys; replaces arginine 1945 with lysine.
Molecular consequence: missense variant.
Genome position (GRCh38, 1-based): chr6:152,416,603, C>T on the plus strand (G>A on the coding strand, the complement: SYNE1 is on the minus strand). VCF-style: chr6-152416603-C-T. GRCh37 (hg19) VCF-style: chr6-152737738-C-T.
Other names: c.5855G>A, p.Arg1952Lys (NM_033071.5); short protein forms R1952K, R1945K.
Identifiers: ClinVar variation 1909462 (VCV001909462.4), dbSNP rs1397702570, ClinGen allele CA366131952.